The following is an entry in ClinVar:

ClinVar aggregate classification (germline): Uncertain significance (1 of 4 stars; one submission).

Allele frequency attached by ClinVar (database versions not stated): gnomAD exomes below 0.00001; TOPMed 0.00001; ExAC 0.00002.
gnomAD v4.1: 6 of 1,613,804 alleles (0.00037%); highest among the groups gnomAD compares: South Asian, 0.0011%; no homozygotes.

Submission:

Labcorp Genetics (formerly Invitae), Labcorp
Classification: Uncertain significance. Last evaluated: 2022-08-31. Review status: criteria provided, single submitter. Criteria: Invitae Variant Classification Sherloc (09022015). Collection method: clinical testing. Allele origin: germline.
Comment: In summary, the available evidence is currently insufficient to determine the role of this variant in disease. Therefore, it has been classified as a Variant of Uncertain Significance. Algorithms developed to predict the effect of missense changes on protein structure and function (SIFT, PolyPhen-2, Align-GVGD) all suggest that this variant is likely to be tolerated. This variant has not been reported in the literature in individuals affected with UQCRC2-related conditions. This variant is present in population databases (rs746526383, gnomAD 0.002%). This sequence change replaces arginine, which is basic and polar, with cysteine, which is neutral and slightly polar, at codon 254 of the UQCRC2 protein (p.Arg254Cys).

NM_003366.4(UQCRC2):c.760C>T (p.Arg254Cys)

Genes: PDZD9 (PDZ domain containing 9), UQCRC2 (ubiquinol-cytochrome c reductase core protein 2). Cytogenetic location: 16p12.2.
Variant type: single nucleotide variant.
Coding change: c.760C>T on transcript NM_003366.4 (MANE Select); coding-DNA position 760, C replaced by T.
Protein change: p.Arg254Cys; replaces arginine 254 with cysteine.
Molecular consequence: missense variant.
Genome position (GRCh38, 1-based): chr16:21,971,614, C>T. VCF-style: chr16-21971614-C-T. GRCh37 (hg19) VCF-style: chr16-21982935-C-T.
Other names: short protein forms R254C.
Identifiers: ClinVar variation 1930438 (VCV001930438.5), dbSNP rs746526383, ClinGen allele CA7953848.